The following is an entry in ClinVar:

NM_002471.4(MYH6):c.4036C>T (p.Arg1346Trp)

Gene: MYH6 (myosin heavy chain 6; minus strand). Cytogenetic location: 14q11.2.
Variant type: single nucleotide variant.
Coding change: c.4036C>T on transcript NM_002471.4 (MANE Select); coding-DNA position 4036, C replaced by T.
Protein change: p.Arg1346Trp; replaces arginine 1346 with tryptophan.
Molecular consequence: missense variant.
Genome position (GRCh38, 1-based): chr14:23,388,998, G>A on the plus strand (C>T on the coding strand, the complement: MYH6 is on the minus strand). VCF-style: chr14-23388998-G-A. GRCh37 (hg19) VCF-style: chr14-23858207-G-A.
Other names: short protein forms R1346W.
Identifiers: ClinVar variation 44502 (VCV000044502.36), dbSNP rs372736126, ClinGen allele CA134376.

ClinVar aggregate classification (germline): Conflicting classifications of pathogenicity. Review status: criteria provided, conflicting classifications (1 of 4 stars). 9 submissions from 9 submitters: Uncertain significance (8); Likely benign (1). Last evaluated 2026-09-17.

Conditions:
MYH6-related disorder. Also called: MYH6-Related Disorders; MYH6-related condition.
Cardiomyopathy (CMYO). Also called: Cardiomyopathies. Identifiers: Orphanet 167848, MedGen C0878544, MONDO:0004994, HP:0001638. Inheritance: Various modes of inheritance.
Hypertrophic cardiomyopathy 14. Identifiers: MedGen C2750467, MONDO:0013197, OMIM 613251.

Allele frequency attached by ClinVar (database versions not stated): gnomAD exomes 0.00001 and 0.00002; ExAC 0.00003; gnomAD 0.00003 and 0.00007; ESP Exome Variant Server 0.00008; TOPMed 0.00012.
gnomAD v4.1: 26 of 1,613,202 alleles (0.0016%); highest among the groups gnomAD compares: African/African-American, 0.004%; no homozygotes.

Submissions (9):

GeneDx
Classification: Uncertain significance. Last evaluated: 2026-09-17. Review status: criteria provided, single submitter. Criteria: GeneDx Variant Classification Process June 2021. Collection method: clinical testing. Allele origin: germline.
Comment: In silico analysis supports that this missense variant has a deleterious effect on protein structure/function; This variant is associated with the following publications: (PMID: 34983622, 35456442)

CeGaT Center for Human Genetics Tuebingen
Classification: Uncertain significance. Last evaluated: 2026-04-01. Review status: criteria provided, single submitter. Criteria: CeGaT Center For Human Genetics Tuebingen Variant Classification Criteria Version 2. Collection method: clinical testing. Allele origin: germline. Affected: yes. Observed: 1 variant allele.
Comment: MYH6: PM2:Supporting, PP3, PS4:Supporting

Labcorp Genetics (formerly Invitae), Labcorp
Classification: Uncertain significance for Hypertrophic cardiomyopathy 14. Last evaluated: 2026-02-03. Review status: criteria provided, single submitter. Criteria: Invitae Variant Classification Sherloc (09022015). Collection method: clinical testing. Allele origin: germline.
Comment: This sequence change replaces arginine, which is basic and polar, with tryptophan, which is neutral and slightly polar, at codon 1346 of the MYH6 protein (p.Arg1346Trp). This variant is present in population databases (rs372736126, gnomAD 0.008%). This missense change has been observed in individual(s) with MYH6-related congenital heart defects (PMID: 35456442). ClinVar contains an entry for this variant (Variation ID: 44502). Invitae Evidence Modeling of protein sequence and biophysical properties (such as structural, functional, and spatial information, amino acid conservation, physicochemical variation, residue mobility, and thermodynamic stability) indicates that this missense variant is not expected to disrupt MYH6 protein function with a negative predictive value of 80%. In summary, the available evidence is currently insufficient to determine the role of this variant in disease. Therefore, it has been classified as a Variant of Uncertain Significance.

PreventionGenetics, part of Exact Sciences
Classification: Uncertain significance for MYH6-related condition. Last evaluated: 2025-10-09. Review status: criteria provided, single submitter. Criteria: ACMG Guidelines, 2015. Collection method: clinical testing. Allele origin: germline.
Comment: The MYH6 c.4036C>T variant is predicted to result in the amino acid substitution p.Arg1346Trp. This variant has been reported in an individual with hypoplastic left heart syndrome (HLHS) who also carried a 16kb deletion of the PCDHA cluster (Figure 1 and Table S1, Zhu et al. 2022. PubMed ID: 35456442). It has been reported in a patient with ventricular septal defect, coarctation of aorta, and skeletal features who also carried variants of uncertain significance in PRKD1 and COL5A1 genes (Lu et al. 2022. PubMed ID: 34983622). This variant is reported in 0.0080% of alleles in individuals of African descent in gnomAD. At this time, the clinical significance of this variant is uncertain due to the absence of conclusive functional and genetic evidence.

Blueprint Genetics
Classification: Likely benign. Last evaluated: 2022-11-15. Review status: criteria provided, single submitter. Criteria: ACMG Guidelines, 2015. Collection method: clinical testing. Allele origin: germline.

Women's Health and Genetics/Laboratory Corporation of America, LabCorp
Classification: Uncertain significance. Last evaluated: 2019-10-30. Review status: criteria provided, single submitter. Criteria: LabCorp Variant Classification Summary - May 2015. Collection method: clinical testing. Allele origin: germline.
Comment: Variant summary: MYH6 c.4036C>T (p.Arg1346Trp) results in a non-conservative amino acid change located in the Myosin tail domain of the encoded protein sequence. Five of five in-silico tools predict a damaging effect of the variant on protein function. The variant allele was found at a frequency of 1.6e-05 in 250728 control chromosomes (gnomAD). The available data on variant occurrences in the general population are insufficient to allow any conclusion about variant significance. c.4036C>T has been reported in the literature in an individual affected with Cardiomyopathy (Tariq_2012). This report does not provide unequivocal conclusions about association of the variant with Cardiomyopathy. To our knowledge, no experimental evidence demonstrating an impact on protein function has been reported. One clinical diagnostic laboratory has submitted clinical-significance assessments for this variant to ClinVar after 2014 without evidence for independent evaluation. One laboratory classified the variant as uncertain significance. Based on the evidence outlined above, the variant was classified as uncertain significance.

CHEO Genetics Diagnostic Laboratory, Children's Hospital of Eastern Ontario
Classification: Uncertain significance for Cardiomyopathy. Last evaluated: 2019-10-29. Review status: criteria provided, single submitter. Criteria: ACMG Guidelines, 2015. Collection method: clinical testing. Allele origin: germline.

Laboratory for Molecular Medicine, Mass General Brigham Personalized Medicine
Classification: Uncertain significance. Last evaluated: 2012-10-01. Review status: criteria provided, single submitter. Criteria: LMM Criteria. Collection method: clinical testing. Allele origin: germline. Observed: 1 variant allele.
Comment: The Arg1346Trp variant in MYH6 has not been reported in the literature nor previ ously identified by our laboratory. This variant has been identified in 1/8600 E uropean American chromosomes from a broad population by the NHLBI Exome Sequenci ng Project. Computational analyses (biochemic al amino acid properties, conservation, AlignGVGD, and SIFT) suggest that this v ariant may impact the protein, though this information is not predictive enough to determine pathogenicity. Additional information is needed to fully assess the clinical significance of this variant.

Neuberg Centre For Genomic Medicine, NCGM
Classification: Uncertain significance for Hypertrophic cardiomyopathy 14. Review status: criteria provided, single submitter. Criteria: ACMG Guidelines, 2015. Collection method: clinical testing. Allele origin: germline. Inheritance: Autosomal dominant inheritance. Affected: yes.
Comment: The missense c.4036C>T(p.Arg1346Trp) variant in MYH6 gene has been submitted to ClinVar as a Variant of Uncertain Significance. It has not been reported in affected individuals. The variant is observed in 0.002% alleles in gnomAD Exomes and is novel (not in any individuals) in 1000 Genomes. The amino acid Arg at position 1346 is changed to a Trp changing protein sequence and it might alter its composition and physico-chemical properties. For these reasons, this variant has been classified as Uncertain Significance.

Literature cited by the submitters: PubMed 35456442 (cited by Labcorp Genetics (formerly Invitae), Labcorp).